The following is an entry in ClinVar:

ClinVar aggregate classification (germline): Uncertain significance (1 of 4 stars; one submission).

Allele frequency attached by ClinVar (database versions not stated): gnomAD exomes below 0.00001; TOPMed below 0.00001.
gnomAD v4.1: 7 of 1,611,934 alleles (0.00043%); highest among the groups gnomAD compares: Non-Finnish European, 0.00051%; no homozygotes.

Submission:

Ambry Genetics
Classification: Uncertain significance. Last evaluated: 2023-11-16. Review status: criteria provided, single submitter. Criteria: Ambry Variant Classification Scheme 2023. Collection method: clinical testing. Allele origin: germline.
Comment: The p.T664I variant (also known as c.1991C>T), located in coding exon 4 of the ALPK2 gene, results from a C to T substitution at nucleotide position 1991. The threonine at codon 664 is replaced by isoleucine, an amino acid with similar properties. This amino acid position is conserved. In addition, this alteration is predicted to be tolerated by in silico analysis. Since supporting evidence is limited at this time, the clinical significance of this alteration remains unclear.

NM_052947.4(ALPK2):c.1991C>T (p.Thr664Ile)

Gene: ALPK2 (alpha kinase 2; minus strand). Cytogenetic location: 18q21.31.
Variant type: single nucleotide variant.
Coding change: c.1991C>T on transcript NM_052947.4 (MANE Select); coding-DNA position 1991, C replaced by T.
Protein change: p.Thr664Ile; replaces threonine 664 with isoleucine.
Molecular consequence: missense variant.
Genome position (GRCh38, 1-based): chr18:58,538,196, G>A on the plus strand (C>T on the coding strand, the complement: ALPK2 is on the minus strand). VCF-style: chr18-58538196-G-A. GRCh37 (hg19) VCF-style: chr18-56205428-G-A.
Other names: short protein forms T664I.
Identifiers: ClinVar variation 3228602 (VCV003228602.1), dbSNP rs1272589278, ClinGen allele CA402571945.